The following is an entry in ClinVar:

ClinVar aggregate classification (germline): Uncertain significance (1 of 4 stars; one submission).

Submission:

GeneDx
Classification: Uncertain significance. Last evaluated: 2022-08-17. Review status: criteria provided, single submitter. Criteria: GeneDx Variant Classification Process June 2021. Collection method: clinical testing. Allele origin: germline. Affected: yes.
Comment: Not observed at significant frequency in large population cohorts (gnomAD); Has not been previously published as pathogenic or benign to our knowledge; Canonical splice site variant in a gene for which loss-of-function is not a known mechanism of disease

NM_004408.4(DNM1):c.2534+2T>G

Gene: DNM1 (dynamin 1; plus strand). Cytogenetic location: 9q34.11.
Variant type: single nucleotide variant.
Coding change: c.2534+2T>G on transcript NM_004408.4 (MANE Select); the canonical splice donor site of the intron after coding-DNA position 2534, T replaced by G.
Molecular consequence: splice donor variant.
Genome position (GRCh38, 1-based): chr9:128,250,942, T>G. VCF-style: chr9-128250942-T-G. GRCh37 (hg19) VCF-style: chr9-131013221-T-G.
Other names: c.2534+2T>G (NM_001005336.3, NM_001374269.1, NM_001288739.2 and 2 more transcripts).
Identifiers: ClinVar variation 2430893 (VCV002430893.1), dbSNP rs2539128860, ClinGen allele CA375002111.